The following is an entry in ClinVar:

NM_012431.3(SEMA3E):c.336G>A (p.Ala112=)

Gene: SEMA3E (semaphorin 3E; minus strand). Cytogenetic location: 7q21.11.
Variant type: single nucleotide variant.
Coding change: c.336G>A on transcript NM_012431.3 (MANE Select); coding-DNA position 336, G replaced by A.
Protein change: p.Ala112=; no amino-acid change (alanine 112 retained).
Molecular consequence: synonymous variant.
Genome position (GRCh38, 1-based): chr7:83,469,243, C>T on the plus strand (G>A on the coding strand, the complement: SEMA3E is on the minus strand). VCF-style: chr7-83469243-C-T. GRCh37 (hg19) VCF-style: chr7-83098559-C-T.
Other names: c.156G>A, p.Ala52= (NM_001178129.2); c.336G>A (NM_012431.2).
Identifiers: ClinVar variation 1506365 (VCV001506365.9), dbSNP rs770979660, ClinGen allele CA4322382.

ClinVar aggregate classification (germline): Conflicting classifications of pathogenicity. Review status: criteria provided, conflicting classifications (1 of 4 stars). 2 submissions from 2 submitters: Uncertain significance (1); Likely benign (1). Last evaluated 2025-06-12.

Conditions:
SEMA3E-related disorder. Also called: SEMA3E-related condition.
CHARGE syndrome (CHARGE). Also called: Coloboma, heart anomaly, choanal atresia, retardation, genital and ear anomalies; CHARGE association; Hall-Hittner syndrome; Hittner Hirsch Kreh syndrome; CHARGE ASSOCIATION--COLOBOMA, HEART ANOMALY, CHOANAL ATRESIA, RETARDATION, GENITAL AND EAR ANOMALIES. Identifiers: Orphanet 138, MedGen C0265354, MONDO:0008965.

Allele frequency attached by ClinVar (database versions not stated): ExAC 0.00001; gnomAD 0.00001; TOPMed 0.00001; gnomAD exomes 0.00002 and 0.00003.
gnomAD v4.1: 27 of 1,605,358 alleles (0.0017%); highest among the groups gnomAD compares: South Asian, 0.012%; no homozygotes.

Submissions (2):

PreventionGenetics, part of Exact Sciences
Classification: Likely benign for SEMA3E-related condition. Last evaluated: 2025-06-12. Review status: criteria provided, single submitter. Criteria: ACMG Guidelines, 2015. Collection method: clinical testing. Allele origin: germline.
Comment: This variant is classified as likely benign based on ACMG/AMP sequence variant interpretation guidelines (Richards et al. 2015 PMID: 25741868, with internal and published modifications).

Labcorp Genetics (formerly Invitae), Labcorp
Classification: Uncertain significance for CHARGE syndrome. Last evaluated: 2024-04-27. Review status: criteria provided, single submitter. Criteria: Invitae Variant Classification Sherloc (09022015). Collection method: clinical testing. Allele origin: germline.
Comment: This sequence change affects codon 112 of the SEMA3E mRNA. It is a 'silent' change, meaning that it does not change the encoded amino acid sequence of the SEMA3E protein. This variant also falls at the last nucleotide of exon 3, which is part of the consensus splice site for this exon. This variant is present in population databases (rs770979660, gnomAD 0.01%). This variant has not been reported in the literature in individuals affected with SEMA3E-related conditions. ClinVar contains an entry for this variant (Variation ID: 1506365). Variants that disrupt the consensus splice site are a relatively common cause of aberrant splicing (PMID: 17576681, 9536098). Algorithms developed to predict the effect of sequence changes on RNA splicing suggest that this variant is not likely to affect RNA splicing. In summary, the available evidence is currently insufficient to determine the role of this variant in disease. Therefore, it has been classified as a Variant of Uncertain Significance.

Literature cited by the submitters: PubMed 17576681 (cited by Labcorp Genetics (formerly Invitae), Labcorp); PubMed 9536098 (cited by Labcorp Genetics (formerly Invitae), Labcorp).